The following is an entry in ClinVar:

ClinVar aggregate classification (germline): Pathogenic (1 of 4 stars; one submission).

Submission:

GeneDx
Classification: Pathogenic. Last evaluated: 2017-11-17. Review status: criteria provided, single submitter. Criteria: GeneDx Variant Classification (06012015). Collection method: clinical testing. Allele origin: germline. Affected: yes.
Comment: The c.6508dupC variant in the NOTCH3 gene has not been reported previously as a pathogenic variant nor as a benign variant, to our knowledge. The c.6508dupC variant causes a frameshift starting with codon Leucine 2170, changes this amino acid to a Proline residue, and creates a premature Stop codon at position 72 of the new reading frame, denoted p.Leu2170ProfsX72. This variant is predicted to cause loss of normal protein function through protein truncation, as the last 152 amino acids are lost and replaced with 71 incorrect amino acids. Furthermore, the c.6508dupC variant is not observed in large population cohorts (Lek et al., 2016).

NM_000435.3(NOTCH3):c.6508dup (p.Leu2170fs)

Gene: NOTCH3 (notch receptor 3; minus strand). Cytogenetic location: 19p13.12.
Variant type: Duplication.
Coding change: c.6508dup on transcript NM_000435.3 (MANE Select); coding-DNA position 6508, one base duplicated (C; older notation c.6508dupC).
Protein change: p.Leu2170fs; shifts the reading frame from leucine 2170.
Molecular consequence: frameshift variant.
Genome position (GRCh38, 1-based): chr19:15,161,120, G duplicated on the plus strand (C on the coding strand, the reverse complement: NOTCH3 is on the minus strand); the first of 4 consecutive G bases (chr19:15,161,120-15,161,123); duplicating any one gives the same sequence. VCF-style (leftmost placement, unchanged base first): chr19-15161119-A-AG. GRCh37 (hg19) VCF-style: chr19-15271930-A-AG.
Other names: c.6508dupC (NM_000435.2); short protein forms L2170fs.
Identifiers: ClinVar variation 503858 (VCV000503858.2), dbSNP rs1555725058, ClinGen allele CA658799172.